The following is an entry in ClinVar:

ClinVar aggregate classification (germline): Uncertain significance (1 of 4 stars; one submission).

Submission:

GeneDx
Classification: Uncertain significance. Last evaluated: 2026-02-12. Review status: criteria provided, single submitter. Criteria: GeneDx Variant Classification Process June 2021. Collection method: clinical testing. Allele origin: germline.
Comment: Not observed at significant frequency in large population cohorts (gnomAD); Has not been previously published as pathogenic or benign to our knowledge; Initiation codon variant in a gene for which loss of function is not a known mechanism of disease

NM_021072.4(HCN1):c.2T>C (p.Met1Thr)

Gene: HCN1 (hyperpolarization activated cyclic nucleotide gated potassium channel 1; minus strand). Cytogenetic location: 5p12.
Variant type: single nucleotide variant.
Coding change: c.2T>C on transcript NM_021072.4 (MANE Select); coding-DNA position 2, T replaced by C.
Protein change: p.Met1Thr; changes the start codon (methionine 1).
Molecular consequence: missense variant, initiator codon variant.
Genome position (GRCh38, 1-based): chr5:45,696,092, A>G on the plus strand (T>C on the coding strand, the complement: HCN1 is on the minus strand). VCF-style: chr5-45696092-A-G. GRCh37 (hg19) VCF-style: chr5-45696194-A-G.
Other names: short protein forms M1T.
Identifiers: ClinVar variation 3361935 (VCV003361935.2).